The following is an entry in ClinVar:

ClinVar aggregate classification (germline): Likely benign. Review status: criteria provided, multiple submitters, no conflicts (2 of 4 stars). 2 submissions from 2 submitters: Likely benign (2). Last evaluated 2026-01-26.

Allele frequency attached by ClinVar (database versions not stated): gnomAD exomes 0.00001; ExAC 0.00002; TOPMed 0.00003; gnomAD 0.00004.
gnomAD v4.1: 22 of 1,614,086 alleles (0.0014%); highest among the groups gnomAD compares: Non-Finnish European, 0.0018%; no homozygotes.

Submissions (2):

Labcorp Genetics (formerly Invitae), Labcorp
Classification: Likely benign. Last evaluated: 2026-01-26. Review status: criteria provided, single submitter. Criteria: Invitae Variant Classification Sherloc (09022015). Collection method: clinical testing. Allele origin: germline.

Mayo Clinic Laboratories, Mayo Clinic
Classification: Likely benign. Last evaluated: 2025-10-07. Review status: criteria provided, single submitter. Criteria: ACMG Guidelines, 2015. Collection method: clinical testing. Allele origin: germline. Observed: 1 variant allele.
Comment: BP4, BP7, PM2_supporting

NM_022081.6(HPS4):c.1902C>T (p.Ser634=)

Gene: HPS4 (HPS4 biogenesis of lysosomal organelles complex 3 subunit 2; minus strand). Cytogenetic location: 22q12.1.
Variant type: single nucleotide variant.
Coding change: c.1902C>T on transcript NM_022081.6 (MANE Select); coding-DNA position 1902, C replaced by T.
Protein change: p.Ser634=; no amino-acid change (serine 634 retained).
Molecular consequence: synonymous variant. On other transcripts: non-coding transcript variant (8), intron variant (2).
Genome position (GRCh38, 1-based): chr22:26,457,912, G>A on the plus strand (C>T on the coding strand, the complement: HPS4 is on the minus strand). VCF-style: chr22-26457912-G-A. GRCh37 (hg19) VCF-style: chr22-26853878-G-A.
Other names: p.Ser634=; c.1902C>T, p.Ser634= (NM_001349896.1, NM_001349898.2, NM_001349899.2 and 3 more transcripts); c.1956C>T, p.Ser652= (NM_001349900.2, NM_001349901.1); c.1887C>T, p.Ser629= (NM_152841.2); c.1714-4508C>T (NM_001349902.1, NM_001349903.2).
Identifiers: ClinVar variation 2421801 (VCV002421801.8), dbSNP rs553114134, ClinGen allele CA10163159.
Genomic context (GRCh38, chr22:26,457,912, plus strand): 5'-GGCTCACCTGACAGTCATTTCATAAAGCGCGGGCAGCTGGGCAAATTCGCTATGCATCAG[G>A]CTGACGGCCTGGAGGAAGCGGCGATCCTGCGGGGTGGCCACCTGCGGCAGGTTTGCTTCC-3'
Protein context (NP_071364.4, residues 624-644): PQDRRFLQAV[Ser634=]LMHSEFAQLP